The following is an entry in ClinVar:

ClinVar aggregate classification (germline): Uncertain significance (1 of 4 stars; one submission).

Conditions:
Cardiovascular phenotype. Identifiers: MedGen CN230736.

Allele frequency attached by ClinVar (database versions not stated): TOPMed below 0.00001.

Submission:

Ambry Genetics
Classification: Uncertain significance for Cardiovascular phenotype. Last evaluated: 2026-08-20. Review status: criteria provided, single submitter. Criteria: Ambry Variant Classification Scheme 2023. Collection method: clinical testing. Allele origin: germline.
Comment: The c.250-5A>G intronic variant results from an A to G substitution 5 nucleotides upstream from coding exon 2 in the GATAD1 gene. This nucleotide position is not well conserved in available vertebrate species. In silico splice site analysis for this alteration is inconclusive. Based on the available evidence, the clinical significance of this variant remains unclear.

NM_021167.5(GATAD1):c.250-5A>G

Gene: GATAD1 (GATA zinc finger domain containing 1; plus strand). Cytogenetic location: 7q21.2.
Variant type: single nucleotide variant.
Coding change: c.250-5A>G on transcript NM_021167.5 (MANE Select); 5 bases into the intron before coding-DNA position 250, A replaced by G.
Molecular consequence: intron variant.
Genome position (GRCh38, 1-based): chr7:92,448,747, A>G. VCF-style: chr7-92448747-A-G. GRCh37 (hg19) VCF-style: chr7-92078061-A-G.
Identifiers: ClinVar variation 1792302 (VCV001792302.3), dbSNP rs1789286850, ClinGen allele CA1725903879.
Genomic context (GRCh38, chr7:92,448,747, plus strand): 5'-TACTGCAACCTTTATGCACTTTTTACTTCTTTCTCTTTTTGTTCTTTAATTTGTTTGTGT[A>G]ACAGAGTAAGCAGGAAATTCACAGGAGGTCTGCTCGGCTCAGAAACACTAAATACAAATC-3'